The following is an entry in ClinVar:

NM_001369.3(DNAH5):c.2577+1G>T

Genes: DNAH5 (dynein axonemal heavy chain 5; minus strand), DNAH5-AS1 (DNAH5 antisense RNA 1; plus strand). Cytogenetic location: 5p15.2.
Variant type: single nucleotide variant.
Coding change: c.2577+1G>T on transcript NM_001369.3 (MANE Select); the canonical splice donor site of the intron after coding-DNA position 2577, G replaced by T.
Molecular consequence: splice donor variant.
Genome position (GRCh38, 1-based): chr5:13,890,975, C>A on the plus strand (G>T on the coding strand, the complement: DNAH5 is on the minus strand). VCF-style: chr5-13890975-C-A. GRCh37 (hg19) VCF-style: chr5-13891084-C-A.
Identifiers: ClinVar variation 2816396 (VCV002816396.3), dbSNP rs867422125, ClinGen allele CA113936604.

ClinVar aggregate classification (germline): Likely pathogenic (1 of 4 stars; one submission).

Conditions:
Primary ciliary dyskinesia. Also called: Ciliary dyskinesia. Identifiers: Orphanet 244, MedGen C0008780, MONDO:0016575, HP:0012265.

Allele frequency attached by ClinVar (database versions not stated): gnomAD exomes below 0.00001.
gnomAD v4.1: 1 of 1,614,046 alleles (0.000062%); highest among the groups gnomAD compares: African/African-American, 0.0013%; no homozygotes.

Submission:

Labcorp Genetics (formerly Invitae), Labcorp
Classification: Likely pathogenic for Primary ciliary dyskinesia. Last evaluated: 2023-12-21. Review status: criteria provided, single submitter. Criteria: Invitae Variant Classification Sherloc (09022015). Collection method: clinical testing. Allele origin: germline.
Comment: This sequence change affects a donor splice site in intron 17 of the DNAH5 gene. It is expected to disrupt RNA splicing. Variants that disrupt the donor or acceptor splice site typically lead to a loss of protein function (PMID: 16199547), and loss-of-function variants in DNAH5 are known to be pathogenic (PMID: 11788826, 16627867). This variant is not present in population databases (gnomAD no frequency). This variant has not been reported in the literature in individuals affected with DNAH5-related conditions. Algorithms developed to predict the effect of sequence changes on RNA splicing suggest that this variant may disrupt the consensus splice site. In summary, the currently available evidence indicates that the variant is pathogenic, but additional data are needed to prove that conclusively. Therefore, this variant has been classified as Likely Pathogenic.

Literature cited by the submitters: PubMed 16199547; PubMed 11788826; PubMed 16627867.